The following is an entry in ClinVar:

NM_032119.4(ADGRV1):c.7988_7989del (p.Asp2662_Ser2663insTer)

Gene: ADGRV1 (adhesion G protein-coupled receptor V1; plus strand). Cytogenetic location: 5q14.3.
Variant type: Microsatellite.
Coding change: c.7988_7989del on transcript NM_032119.4 (MANE Select); coding-DNA positions 7988 to 7989, 2 bases deleted (CT; older notation c.7988_7989delCT).
Protein change: p.Asp2662_Ser2663insTer.
Molecular consequence: nonsense. On other transcripts: non-coding transcript variant (1).
Genome position (GRCh38, 1-based): chr5:90,696,979-90,696,980, CT deleted; deleting any 2 consecutive bases within chr5:90,696,977-90,696,980 gives the same sequence; the c. name uses the placement nearest the transcript's 3' end. VCF-style (leftmost placement, unchanged base first): chr5-90696976-ACT-A. GRCh37 (hg19) VCF-style: chr5-89992793-ACT-A.
Identifiers: ClinVar variation 2734741 (VCV002734741.3), dbSNP rs2530982887, ClinGen allele CA2674568221.

ClinVar aggregate classification (germline): Pathogenic (1 of 4 stars; one submission).

Submission:

Labcorp Genetics (formerly Invitae), Labcorp
Classification: Pathogenic. Last evaluated: 2023-06-16. Review status: criteria provided, single submitter. Criteria: Invitae Variant Classification Sherloc (09022015). Collection method: clinical testing. Allele origin: germline.
Comment: For these reasons, this variant has been classified as Pathogenic. This premature translational stop signal has been observed in individual(s) with Usher syndrome (PMID: 28181551). This variant is not present in population databases (gnomAD no frequency). This sequence change creates a premature translational stop signal (p.Ser2663*) in the ADGRV1 gene. It is expected to result in an absent or disrupted protein product. Loss-of-function variants in ADGRV1 are known to be pathogenic (PMID: 19357117, 22135276, 22147658, 26226137, 30718709, 31047384, 32467589).

Literature cited by the submitters: PubMed 28181551; PubMed 19357117; PubMed 22135276; PubMed 22147658; PubMed 26226137; PubMed 30718709; PubMed 31047384; PubMed 32467589.